The following is an entry in ClinVar:

NM_001347721.2(DYRK1A):c.1071+42C>G

Gene: DYRK1A (dual specificity tyrosine phosphorylation regulated kinase 1A; plus strand). Cytogenetic location: 21q22.13.
Variant type: single nucleotide variant.
Coding change: c.1071+42C>G on transcript NM_001347721.2 (MANE Select); 42 bases into the intron after coding-DNA position 1071, C replaced by G.
Molecular consequence: intron variant.
Genome position (GRCh38, 1-based): chr21:37,493,205, C>G. VCF-style: chr21-37493205-C-G. GRCh37 (hg19) VCF-style: chr21-38865507-C-G.
Other names: c.1098+42C>G (NM_001396.5, NM_101395.2, NM_130438.2); c.1071+42C>G (NM_001347722.2, NM_130436.2); c.984+42C>G (NM_001347723.2).
Identifiers: ClinVar variation 679364 (VCV000679364.2), dbSNP rs2835772, ClinGen allele CA10023908.
Genomic context (GRCh38, chr21:37,493,205, plus strand): 5'-GTTCAGTGGTGCCAATGAGGTAAATGATGTATTGCTTTACAAATTCTGTTTTCATAATTT[C>G]TTTTTGTCTTTCATCTGTGACAGTGTAATTTAAAAGTTGTTTTTAGGCAAAGATGTCTAC-3'

ClinVar aggregate classification (germline): Benign. Review status: criteria provided, multiple submitters, no conflicts (2 of 4 stars). 2 submissions from 2 submitters: Benign (2). Last evaluated 2018-06-14.

Allele frequency attached by ClinVar (database versions not stated): TOPMed 0.30306; ESP Exome Variant Server 0.30401; gnomAD 0.32227; 1000 Genomes Project 30x 0.35025; 1000 Genomes Project 0.35044.
gnomAD v4.1: 461,813 of 1,546,664 alleles (30%); highest among the groups gnomAD compares: South Asian, 39%; 70,432 homozygotes.

Submissions (2):

GeneDx
Classification: Benign. Last evaluated: 2018-06-14. Review status: criteria provided, single submitter. Criteria: GeneDx Variant Classification (06012015). Collection method: clinical testing. Allele origin: germline. Affected: yes.
Comment: This variant is considered likely benign or benign based on one or more of the following criteria: it is a conservative change, it occurs at a poorly conserved position in the protein, it is predicted to be benign by multiple in silico algorithms, and/or has population frequency not consistent with disease.

Breakthrough Genomics
Classification: Benign. Review status: criteria provided, single submitter. Criteria: ACMG Guidelines, 2015. Collection method: not provided. Allele origin: germline. Inheritance: Autosomal dominant inheritance. Affected: yes.